The following is an entry in ClinVar:

NM_173354.5(SIK1):c.881C>T (p.Ala294Val)

Gene: SIK1 (salt inducible kinase 1; minus strand). Cytogenetic location: 21q22.3.
Variant type: single nucleotide variant.
Coding change: c.881C>T on transcript NM_173354.5 (MANE Select); coding-DNA position 881, C replaced by T.
Protein change: p.Ala294Val; replaces alanine 294 with valine.
Molecular consequence: missense variant.
Genome position (GRCh38, 1-based): chr21:43,420,325, G>A on the plus strand (C>T on the coding strand, the complement: SIK1 is on the minus strand). VCF-style: chr21-43420325-G-A. GRCh37 (hg19) VCF-style: chr21-44840205-G-A.
Other names: short protein forms A294V.
Identifiers: ClinVar variation 542699 (VCV000542699.47), dbSNP rs141114345, ClinGen allele CA321326767.

ClinVar aggregate classification (germline): Likely benign. Review status: criteria provided, multiple submitters, no conflicts (2 of 4 stars). 6 submissions from 6 submitters: Likely benign (6). Last evaluated 2026-02-02.

Conditions:
Developmental and epileptic encephalopathy, 30 (DEE30). Also called: Epileptic encephalopathy, early infantile, 30. Identifiers: MedGen C4225360, MONDO:0014595, OMIM 616341.
Inborn genetic diseases. Identifiers: MedGen C0950123, MeSH D030342.

Allele frequency attached by ClinVar (database versions not stated): ExAC 0.00056; gnomAD exomes 0.00057; ESP Exome Variant Server 0.00077; gnomAD 0.00077.

Submissions (6):

Labcorp Genetics (formerly Invitae), Labcorp
Classification: Likely benign for Developmental and epileptic encephalopathy, 30. Last evaluated: 2026-02-02. Review status: criteria provided, single submitter. Criteria: Invitae Variant Classification Sherloc (09022015). Collection method: clinical testing. Allele origin: germline.

Ambry Genetics
Classification: Likely benign for Inborn genetic diseases. Last evaluated: 2024-12-11. Review status: criteria provided, single submitter. Criteria: Ambry Variant Classification Scheme 2023. Collection method: clinical testing. Allele origin: germline.

Blueprint Genetics
Classification: Likely benign. Last evaluated: 2024-10-17. Review status: criteria provided, single submitter. Criteria: ACMG Guidelines, 2015. Collection method: clinical testing. Allele origin: germline.

CeGaT Center for Human Genetics Tuebingen
Classification: Likely benign. Last evaluated: 2024-07-01. Review status: criteria provided, single submitter. Criteria: CeGaT Center For Human Genetics Tuebingen Variant Classification Criteria Version 2. Collection method: clinical testing. Allele origin: germline. Affected: yes. Observed: 4 variant alleles.
Comment: SIK1: BP4, BS1

Athena Diagnostics
Classification: Likely benign. Last evaluated: 2020-07-28. Review status: criteria provided, single submitter. Criteria: Athena Diagnostics Criteria. Collection method: clinical testing. Allele origin: unknown.

Breakthrough Genomics
Classification: Likely benign. Review status: criteria provided, single submitter. Criteria: ACMG Guidelines, 2015. Collection method: not provided. Allele origin: germline. Inheritance: Autosomal dominant inheritance. Affected: yes.